The following is an entry in ClinVar:

NM_002546.4(TNFRSF11B):c.729A>T (p.Gln243His)

Gene: TNFRSF11B (TNF receptor superfamily member 11b; minus strand). Cytogenetic location: 8q24.12.
Variant type: single nucleotide variant.
Coding change: c.729A>T on transcript NM_002546.4 (MANE Select); coding-DNA position 729, A replaced by T.
Protein change: p.Gln243His; replaces glutamine 243 with histidine.
Molecular consequence: missense variant.
Genome position (GRCh38, 1-based): chr8:118,926,582, T>A on the plus strand (A>T on the coding strand, the complement: TNFRSF11B is on the minus strand). VCF-style: chr8-118926582-T-A. GRCh37 (hg19) VCF-style: chr8-119938821-T-A.
Other names: short protein forms Q243H.
Identifiers: ClinVar variation 285282 (VCV000285282.14), dbSNP rs374594601, ClinGen allele CA4854839.

ClinVar aggregate classification (germline): Uncertain significance. Review status: criteria provided, multiple submitters, no conflicts (2 of 4 stars). 3 submissions from 3 submitters: Uncertain significance (3). Last evaluated 2025-12-15.

Conditions:
Hyperphosphatasemia with bone disease (PDB5). Also called: PAGET DISEASE OF BONE 5, JUVENILE-ONSET; Paget disease of bone 5; HYPEROSTOSIS CORTICALIS DEFORMANS JUVENILIS; HYPERPHOSPHATASEMIA, CHRONIC CONGENITAL IDIOPATHIC; HYPERPHOSPHATASIA, FAMILIAL IDIOPATHIC; Osteoectasia familial. Identifiers: Orphanet 2801, MedGen C0268414, MONDO:0009394, OMIM 239000.

Allele frequency attached by ClinVar (database versions not stated): gnomAD 0.00006 and 0.00007; gnomAD exomes 0.00006 and 0.00014; TOPMed 0.00008; ExAC 0.00010; ESP Exome Variant Server 0.00031.
gnomAD v4.1: 218 of 1,614,030 alleles (0.014%); highest among the groups gnomAD compares: Non-Finnish European, 0.018%; no homozygotes.

Submissions (3):

Labcorp Genetics (formerly Invitae), Labcorp
Classification: Uncertain significance. Last evaluated: 2025-12-15. Review status: criteria provided, single submitter. Criteria: Invitae Variant Classification Sherloc (09022015). Collection method: clinical testing. Allele origin: germline.
Comment: This sequence change replaces glutamine, which is neutral and polar, with histidine, which is basic and polar, at codon 243 of the TNFRSF11B protein (p.Gln243His). This variant is present in population databases (rs374594601, gnomAD 0.01%). This variant has not been reported in the literature in individuals affected with TNFRSF11B-related conditions. ClinVar contains an entry for this variant (Variation ID: 285282). Invitae Evidence Modeling of protein sequence and biophysical properties (such as structural, functional, and spatial information, amino acid conservation, physicochemical variation, residue mobility, and thermodynamic stability) indicates that this missense variant is not expected to disrupt TNFRSF11B protein function with a negative predictive value of 80%. In summary, the available evidence is currently insufficient to determine the role of this variant in disease. Therefore, it has been classified as a Variant of Uncertain Significance.

Illumina Laboratory Services, Illumina
Classification: Uncertain significance for Hyperphosphatasemia with bone disease. Last evaluated: 2018-01-13. Review status: criteria provided, single submitter. Criteria: ICSL Variant Classification Criteria 13 December 2019. Collection method: clinical testing. Allele origin: germline.

Eurofins Ntd Llc (ga)
Classification: Uncertain significance. Last evaluated: 2016-01-08. Review status: criteria provided, single submitter. Criteria: EGL Classification Definitions 2015. Collection method: clinical testing. Allele origin: germline. Observed: 1 variant allele, 1 heterozygote.